The following is an entry in ClinVar:

Conditions:
Breast-ovarian cancer, familial, susceptibility to, 1 (BROVCA1). Also called: BRCA1 Hereditary Breast and Ovarian Cancer; OVARIAN CANCER, SUSCEPTIBILITY TO. Identifiers: Orphanet 145, MedGen C2676676, MONDO:0011450, OMIM 604370. Disease mechanism: loss of function.

Submission:

Brotman Baty Institute, University of Washington
No classification provided (evidence only). Condition: Breast-ovarian cancer, familial 1. Review status: no classification provided. Collection method: in vitro. Allele origin: not applicable. Functional consequence: functionally_normal.
ClinVar note: "not provided" was previously submitted as the classification for the variant. However, the classification appeared to be based only on an observation of functional data so it was converted to no classification on 2025-07-30.

NM_007294.4(BRCA1):c.5194-5T>G

Gene: BRCA1 (BRCA1 DNA repair associated; minus strand). Cytogenetic location: 17q21.31.
Variant type: single nucleotide variant.
Coding change: c.5194-5T>G on transcript NM_007294.4 (MANE Select); 5 bases into the intron before coding-DNA position 5194, T replaced by G.
Molecular consequence: intron variant.
Genome position (GRCh38, 1-based): chr17:43,057,140, A>C on the plus strand (T>G on the coding strand, the complement: BRCA1 is on the minus strand). VCF-style: chr17-43057140-A-C. GRCh37 (hg19) VCF-style: chr17-41209157-A-C.
Other names: c.1741-5T>G (NM_001408458.1, NM_001408461.1, NM_001408464.1 and 7 more transcripts); c.4303-5T>G (NM_001407967.1); c.4813-5T>G (NM_001407959.1); c.4927-5T>G (NM_001407931.1, NM_001407932.1, NM_001407928.1 and 4 more transcripts); c.5050-5T>G (NM_001407747.1, NM_001407745.1, NM_001407737.1 and 21 more transcripts); c.4810-5T>G (NM_001407962.1, NM_001407960.1); c.1381-5T>G (NM_001408512.1); c.1504-5T>G (NM_001408510.1); and 72 more.
Identifiers: ClinVar variation 868168 (VCV000868168.3), dbSNP rs2051532726, ClinGen allele CA916081191.
Genomic context (GRCh38, chr17:43,057,140, plus strand): 5'-TTTGGACCTTGGTGGTTTCTTCCATTGACCACATCTCCTCTGACTTCAAAATCATGCTGA[A>C]AGAAACCAAACACAACCCATCAGGATAAGAGAAAGAGAAGCTTCCTTCAATGGAAGTGGA-3'